The following is an entry in ClinVar:

NM_031310.3(PLVAP):c.225A>G (p.Leu75=)

Gene: PLVAP (plasmalemma vesicle associated protein; minus strand). Cytogenetic location: 19p13.11.
Variant type: single nucleotide variant.
Coding change: c.225A>G on transcript NM_031310.3 (MANE Select); coding-DNA position 225, A replaced by G.
Protein change: p.Leu75=; no amino-acid change (leucine 75 retained).
Molecular consequence: synonymous variant.
Genome position (GRCh38, 1-based): chr19:17,377,064, T>C on the plus strand (A>G on the coding strand, the complement: PLVAP is on the minus strand). VCF-style: chr19-17377064-T-C. GRCh37 (hg19) VCF-style: chr19-17487873-T-C.
Other names: c.225A>G (NM_031310.2).
Identifiers: ClinVar variation 2056023 (VCV002056023.6), dbSNP rs568245772, ClinGen allele CA9294115.

ClinVar aggregate classification (germline): Benign. Review status: criteria provided, single submitter (1 of 4 stars). 2 submissions from 2 submitters: Benign (1). 1 of the submissions does not count toward it. Last evaluated 2025-12-19.

Conditions:
PLVAP-related disorder. Also called: PLVAP-related condition.

Allele frequency attached by ClinVar (database versions not stated): TOPMed 0.00002; gnomAD 0.00016; 1000 Genomes Project 0.00040; gnomAD exomes 0.00043; 1000 Genomes Project 30x 0.00062; ExAC 0.00101.
gnomAD v4.1: 648 of 1,614,050 alleles (0.04%); highest among the groups gnomAD compares: South Asian, 0.67%; 5 homozygotes.

Submissions (2):

Labcorp Genetics (formerly Invitae), Labcorp
Classification: Benign. Last evaluated: 2025-12-19. Review status: criteria provided, single submitter. Criteria: Invitae Variant Classification Sherloc (09022015). Collection method: clinical testing. Allele origin: germline.

PreventionGenetics, part of Exact Sciences
Classification: Likely benign for PLVAP-related condition. Last evaluated: 2019-06-05. Review status: no assertion criteria provided. Collection method: clinical testing. Allele origin: germline. Not counted in ClinVar's aggregate classification.
Comment: This variant is classified as likely benign based on ACMG/AMP sequence variant interpretation guidelines (Richards et al. 2015 PMID: 25741868, with internal and published modifications).